The following is an entry in ClinVar:

NM_017882.3(CLN6):c.685C>G (p.Gln229Glu)

Gene: CLN6 (CLN6 transmembrane ER protein; minus strand). Cytogenetic location: 15q23.
Variant type: single nucleotide variant.
Coding change: c.685C>G on transcript NM_017882.3 (MANE Select); coding-DNA position 685, C replaced by G.
Protein change: p.Gln229Glu; replaces glutamine 229 with glutamic acid.
Molecular consequence: missense variant.
Genome position (GRCh38, 1-based): chr15:68,208,391, G>C on the plus strand (C>G on the coding strand, the complement: CLN6 is on the minus strand). VCF-style: chr15-68208391-G-C. GRCh37 (hg19) VCF-style: chr15-68500729-G-C.
Other names: c.781C>G, p.Gln261Glu (NM_001411068.1); short protein forms Q229E, Q261E.
Identifiers: ClinVar variation 2980390 (VCV002980390.3), dbSNP rs1567094703, ClinGen allele CA392972323.

ClinVar aggregate classification (germline): Uncertain significance (1 of 4 stars; one submission).

Conditions:
Neuronal ceroid lipofuscinosis. Also called: Neuronal Ceroid Lipofuscinoses. Identifiers: Orphanet 216, Orphanet 79263, MedGen C0027877, MONDO:0016295. Disease mechanism: loss of function.

Submission:

Labcorp Genetics (formerly Invitae), Labcorp
Classification: Uncertain significance for Neuronal ceroid lipofuscinosis. Last evaluated: 2025-12-15. Review status: criteria provided, single submitter. Criteria: Invitae Variant Classification Sherloc (09022015). Collection method: clinical testing. Allele origin: germline.
Comment: This sequence change replaces glutamine, which is neutral and polar, with glutamic acid, which is acidic and polar, at codon 229 of the CLN6 protein (p.Gln229Glu). This variant is not present in population databases (gnomAD no frequency). This variant has not been reported in the literature in individuals affected with CLN6-related conditions. ClinVar contains an entry for this variant (Variation ID: 2980390). Invitae Evidence Modeling of protein sequence and biophysical properties (such as structural, functional, and spatial information, amino acid conservation, physicochemical variation, residue mobility, and thermodynamic stability) has been performed for this missense variant. However, the output from this modeling did not meet the statistical confidence thresholds required to predict the impact of this variant on CLN6 protein function. In summary, the available evidence is currently insufficient to determine the role of this variant in disease. Therefore, it has been classified as a Variant of Uncertain Significance.